The following is an entry in ClinVar:

ClinVar aggregate classification (germline): Uncertain significance (1 of 4 stars; one submission).

Conditions:
Inborn genetic diseases. Identifiers: MedGen C0950123, MeSH D030342.

Allele frequency attached by ClinVar (database versions not stated): gnomAD exomes below 0.00001; ExAC 0.00001.
gnomAD v4.1: 2 of 1,614,042 alleles (0.00012%); highest among the groups gnomAD compares: Non-Finnish European, 0.000085%; no homozygotes.

Submission:

Ambry Genetics
Classification: Uncertain significance for Inborn genetic diseases. Last evaluated: 2023-05-13. Review status: criteria provided, single submitter. Criteria: Ambry Variant Classification Scheme 2023. Collection method: clinical testing. Allele origin: germline.
Comment: The p.H140R variant (also known as c.419A>G), located in coding exon 4 of the EPAS1 gene, results from an A to G substitution at nucleotide position 419. The histidine at codon 140 is replaced by arginine, an amino acid with highly similar properties. This amino acid position is conserved. In addition, the in silico prediction for this alteration is inconclusive. Since supporting evidence is limited at this time, the clinical significance of this alteration remains unclear.

NM_001430.5(EPAS1):c.419A>G (p.His140Arg)

Gene: EPAS1 (endothelial PAS domain protein 1; plus strand). Cytogenetic location: 2p21.
Variant type: single nucleotide variant.
Coding change: c.419A>G on transcript NM_001430.5 (MANE Select); coding-DNA position 419, A replaced by G.
Protein change: p.His140Arg; replaces histidine 140 with arginine.
Molecular consequence: missense variant.
Genome position (GRCh38, 1-based): chr2:46,356,773, A>G. VCF-style: chr2-46356773-A-G. GRCh37 (hg19) VCF-style: chr2-46583912-A-G.
Other names: short protein forms H140R.
Identifiers: ClinVar variation 2562022 (VCV002562022.2), dbSNP rs745690526, ClinGen allele CA1644640.